The following is an entry in ClinVar:

ClinVar aggregate classification (germline): Uncertain significance (1 of 4 stars; one submission).

Submission:

GeneDx
Classification: Uncertain significance. Last evaluated: 2023-02-02. Review status: criteria provided, single submitter. Criteria: GeneDx Variant Classification Process June 2021. Collection method: clinical testing. Allele origin: germline. Affected: yes.
Comment: Not observed at significant frequency in large population cohorts (gnomAD); In silico analysis supports that this missense variant has a deleterious effect on protein structure/function; Has not been previously published as pathogenic or benign to our knowledge

NM_001386393.1(PANK2):c.665A>T (p.Gln222Leu)

Gene: PANK2 (pantothenate kinase 2; plus strand). Cytogenetic location: 20p13.
Variant type: single nucleotide variant.
Coding change: c.665A>T on transcript NM_001386393.1 (MANE Select); coding-DNA position 665, A replaced by T.
Protein change: p.Gln222Leu; replaces glutamine 222 with leucine.
Molecular consequence: missense variant. On other transcripts: non-coding transcript variant (1), 5 prime UTR variant (1).
Genome position (GRCh38, 1-based): chr20:3,910,590, A>T. VCF-style: chr20-3910590-A-T. GRCh37 (hg19) VCF-style: chr20-3891237-A-T.
Other names: c.122A>T, p.Gln41Leu (NM_024960.6, NM_153640.4, NM_001324191.2); c.995A>T, p.Gln332Leu (NM_153638.4); c.-314A>T (NM_001324193.2); short protein forms Q222L, Q332L, Q41L.
Identifiers: ClinVar variation 2574834 (VCV002574834.1), dbSNP rs2515499016, ClinGen allele CA408114387.